The following is an entry in ClinVar:

NM_005751.5(AKAP9):c.5258T>C (p.Val1753Ala)

Gene: AKAP9 (A-kinase anchoring protein 9; plus strand). Cytogenetic location: 7q21.2.
Variant type: single nucleotide variant.
Coding change: c.5258T>C on transcript NM_005751.5 (MANE Select); coding-DNA position 5258, T replaced by C.
Protein change: p.Val1753Ala; replaces valine 1753 with alanine.
Molecular consequence: missense variant.
Genome position (GRCh38, 1-based): chr7:92,045,103, T>C. VCF-style: chr7-92045103-T-C. GRCh37 (hg19) VCF-style: chr7-91674417-T-C.
Other names: c.5258T>C, p.Val1753Ala (NM_147185.3); short protein forms V1753A.
Identifiers: ClinVar variation 574853 (VCV000574853.9), dbSNP rs1563041499, ClinGen allele CA368130665.

ClinVar aggregate classification (germline): Uncertain significance. Review status: criteria provided, multiple submitters, no conflicts (2 of 4 stars). 2 submissions from 2 submitters: Uncertain significance (2). Last evaluated 2025-10-15.

Conditions:
Long QT syndrome (LQTS). Identifiers: MedGen C0023976, MeSH D008133, MONDO:0002442. Disease mechanism: loss of function. Inheritance: Various modes of inheritance.
Cardiovascular phenotype. Identifiers: MedGen CN230736.

Allele frequency attached by ClinVar (database versions not stated): TOPMed below 0.00001.

Submissions (2):

Labcorp Genetics (formerly Invitae), Labcorp
Classification: Uncertain significance for Long QT syndrome. Last evaluated: 2025-10-15. Review status: criteria provided, single submitter. Criteria: Invitae Variant Classification Sherloc (09022015). Collection method: clinical testing. Allele origin: germline.
Comment: This sequence change replaces valine, which is neutral and non-polar, with alanine, which is neutral and non-polar, at codon 1753 of the AKAP9 protein (p.Val1753Ala). This variant is not present in population databases (gnomAD no frequency). This variant has not been reported in the literature in individuals affected with AKAP9-related conditions. ClinVar contains an entry for this variant (Variation ID: 574853). An algorithm developed to predict the effect of missense changes on protein structure and function (PolyPhen-2) suggests that this variant is likely to be disruptive. In summary, the available evidence is currently insufficient to determine the role of this variant in disease. Therefore, it has been classified as a Variant of Uncertain Significance.

Ambry Genetics
Classification: Uncertain significance for Cardiovascular phenotype. Last evaluated: 2024-01-22. Review status: criteria provided, single submitter. Criteria: Ambry Variant Classification Scheme 2023. Collection method: clinical testing. Allele origin: germline.
Comment: The p.V1753A variant (also known as c.5258T>C), located in coding exon 21 of the AKAP9 gene, results from a T to C substitution at nucleotide position 5258. The valine at codon 1753 is replaced by alanine, an amino acid with similar properties. This amino acid position is conserved. In addition, this alteration is predicted to be tolerated by in silico analysis. Based on the available evidence, the clinical significance of this alteration remains unclear.